The following is an entry in ClinVar:

ClinVar aggregate classification (germline): Conflicting classifications of pathogenicity. Review status: criteria provided, conflicting classifications (1 of 4 stars). 3 submissions from 3 submitters: Uncertain significance (1); Likely benign (1). 1 of the submissions does not count toward it. Last evaluated 2025-04-03.

Conditions:
Inborn genetic diseases. Identifiers: MedGen C0950123, MeSH D030342.
Fanconi anemia (FA). Also called: Fanconi's anemia. Identifiers: Orphanet 84, MedGen C0015625, MeSH D005199, MONDO:0019391.

Allele frequency attached by ClinVar (database versions not stated): gnomAD 0.00001; gnomAD exomes 0.00002.
gnomAD v4.1: 34 of 1,524,578 alleles (0.0022%); highest among the groups gnomAD compares: Non-Finnish European, 0.0027%; no homozygotes.

Submissions (3):

Labcorp Genetics (formerly Invitae), Labcorp
Classification: Likely benign for Fanconi anemia. Last evaluated: 2025-04-03. Review status: criteria provided, single submitter. Criteria: Invitae Variant Classification Sherloc (09022015). Collection method: clinical testing. Allele origin: germline.

Ambry Genetics
Classification: Uncertain significance for Inborn genetic diseases. Last evaluated: 2024-11-28. Review status: criteria provided, single submitter. Criteria: Ambry Variant Classification Scheme 2023. Collection method: clinical testing. Allele origin: germline.
Comment: The p.Q13H variant (also known as c.39G>C), located in coding exon 1 of the FANCA gene, results from a G to C substitution at nucleotide position 39. The glutamine at codon 13 is replaced by histidine, an amino acid with highly similar properties. This amino acid position is conserved. In addition, this alteration is predicted to be tolerated by in silico analysis. Based on the available evidence, the clinical significance of this variant remains unclear.

Natera, Inc.
Classification: Uncertain significance for Fanconi anemia. Last evaluated: 2020-07-27. Review status: no assertion criteria provided. Collection method: clinical testing. Allele origin: germline. Not counted in ClinVar's aggregate classification.

NM_000135.4(FANCA):c.39G>C (p.Gln13His)

Genes: FANCA (FA complementation group A; minus strand), LOC112486223 (Sharpr-MPRA regulatory region 3988; plus strand). Cytogenetic location: 16q24.3.
Variant type: single nucleotide variant.
Coding change: c.39G>C on transcript NM_000135.4 (MANE Select); coding-DNA position 39, G replaced by C.
Protein change: p.Gln13His; replaces glutamine 13 with histidine.
Molecular consequence: missense variant.
Genome position (GRCh38, 1-based): chr16:89,816,577, C>G on the plus strand (G>C on the coding strand, the complement: FANCA is on the minus strand). VCF-style: chr16-89816577-C-G. GRCh37 (hg19) VCF-style: chr16-89882985-C-G.
Other names: c.39G>C, p.Gln13His (NM_001018112.3, NM_001286167.3, NM_001351830.2); short protein forms Q13H.
Identifiers: ClinVar variation 970763 (VCV000970763.13), dbSNP rs1486155993, ClinGen allele CA397484523.